The following is an entry in ClinVar:

ClinVar aggregate classification (germline): Uncertain significance. Review status: criteria provided, multiple submitters, no conflicts (2 of 4 stars). 2 submissions from 2 submitters: Uncertain significance (2). Last evaluated 2026-04-27.

Conditions:
Cardiovascular phenotype. Identifiers: MedGen CN230736.
Dilated cardiomyopathy 1JJ (CMD1JJ). Identifiers: Orphanet 154, MedGen C3808935, MONDO:0014095, OMIM 615235.

Submissions (2):

Ambry Genetics
Classification: Uncertain significance for Cardiovascular phenotype. Last evaluated: 2026-04-27. Review status: criteria provided, single submitter. Criteria: Ambry Variant Classification Scheme 2023. Collection method: clinical testing. Allele origin: germline.
Comment: The p.N1233S variant (also known as c.3698A>G), located in coding exon 27 of the LAMA4 gene, results from an A to G substitution at nucleotide position 3698. The asparagine at codon 1233 is replaced by serine, an amino acid with highly similar properties. This amino acid position is conserved. In addition, this alteration is predicted to be tolerated by in silico analysis. Based on the available evidence, the clinical significance of this variant remains unclear.

Labcorp Genetics (formerly Invitae), Labcorp
Classification: Uncertain significance for Dilated cardiomyopathy 1JJ. Last evaluated: 2024-06-30. Review status: criteria provided, single submitter. Criteria: Invitae Variant Classification Sherloc (09022015). Collection method: clinical testing. Allele origin: germline.
Comment: This sequence change replaces asparagine, which is neutral and polar, with serine, which is neutral and polar, at codon 1233 of the LAMA4 protein (p.Asn1233Ser). This variant is not present in population databases (gnomAD no frequency). This variant has not been reported in the literature in individuals affected with LAMA4-related conditions. Algorithms developed to predict the effect of missense changes on protein structure and function output the following: SIFT: "Not Available"; PolyPhen-2: "Benign"; Align-GVGD: "Not Available". The serine amino acid residue is found in multiple mammalian species, which suggests that this missense change does not adversely affect protein function. In summary, the available evidence is currently insufficient to determine the role of this variant in disease. Therefore, it has been classified as a Variant of Uncertain Significance.

NM_001105206.3(LAMA4):c.3719A>G (p.Asn1240Ser)

Gene: LAMA4 (laminin subunit alpha 4; minus strand). Cytogenetic location: 6q21.
Variant type: single nucleotide variant.
Coding change: c.3719A>G on transcript NM_001105206.3 (MANE Select); coding-DNA position 3719, A replaced by G.
Protein change: p.Asn1240Ser; replaces asparagine 1240 with serine.
Molecular consequence: missense variant.
Genome position (GRCh38, 1-based): chr6:112,132,868, T>C on the plus strand (A>G on the coding strand, the complement: LAMA4 is on the minus strand). VCF-style: chr6-112132868-T-C. GRCh37 (hg19) VCF-style: chr6-112454070-T-C.
Other names: c.3698A>G, p.Asn1233Ser (NM_001105207.3, NM_002290.5); short protein forms N1233S, N1240S.
Identifiers: ClinVar variation 3626370 (VCV003626370.3).